The following is an entry in ClinVar:

ClinVar aggregate classification (germline): Likely pathogenic. Review status: criteria provided, multiple submitters, no conflicts (2 of 4 stars). 2 submissions from 2 submitters: Likely pathogenic (2). Last evaluated 2025-06-20.

Conditions:
Arrhythmogenic right ventricular dysplasia 11. Also called: ARRHYTHMOGENIC RIGHT VENTRICULAR DYSPLASIA, FAMILIAL, 11; Arrhythmogenic Right Ventricular Dysplasia/Cardiomyopathy11; Arrhythmogenic right ventricular dysplasia 11 with mild palmoplantar keratoderma and woolly hair. Identifiers: MedGen C1864850, MONDO:0012506, OMIM 610476.

Submissions (2):

GeneDx
Classification: Likely pathogenic. Last evaluated: 2025-06-20. Review status: criteria provided, single submitter. Criteria: GeneDx Variant Classification Process June 2021. Collection method: clinical testing. Allele origin: germline. Affected: yes.
Comment: Reported as an incidental finding in an individual who had whole exome sequencing for an unrelated phenotype; causative variants for the individual's phenotype were also identified (PMID: 37679823); Canonical splice site variant predicted to result in an in-frame loss of the adjacent exon in a gene for which loss of function is a known mechanism of disease; Not observed at significant frequency in large population cohorts (gnomAD); This variant is associated with the following publications: (PMID: 37679823)

Labcorp Genetics (formerly Invitae), Labcorp
Classification: Likely pathogenic for Arrhythmogenic right ventricular dysplasia 11. Last evaluated: 2024-09-29. Review status: criteria provided, single submitter. Criteria: Invitae Variant Classification Sherloc (09022015). Collection method: clinical testing. Allele origin: germline.
Comment: This sequence change affects an acceptor splice site in intron 11 of the DSC2 gene. It is expected to disrupt RNA splicing. Variants that disrupt the donor or acceptor splice site typically lead to a loss of protein function (PMID: 16199547), and loss-of-function variants in DSC2 are known to be pathogenic (PMID: 23911551). This variant is not present in population databases (gnomAD no frequency). This variant has not been reported in the literature in individuals affected with DSC2-related conditions. Algorithms developed to predict the effect of sequence changes on RNA splicing suggest that this variant may disrupt the consensus splice site. In summary, the currently available evidence indicates that the variant is pathogenic, but additional data are needed to prove that conclusively. Therefore, this variant has been classified as Likely Pathogenic.

Literature cited by the submitters: PubMed 16199547 (cited by Labcorp Genetics (formerly Invitae), Labcorp); PubMed 23911551 (cited by Labcorp Genetics (formerly Invitae), Labcorp).

NM_024422.6(DSC2):c.1664-1G>A

Gene: DSC2 (desmocollin 2; minus strand). Cytogenetic location: 18q12.1.
Variant type: single nucleotide variant.
Coding change: c.1664-1G>A on transcript NM_024422.6 (MANE Select); the canonical splice acceptor site of the intron before coding-DNA position 1664, G replaced by A.
Molecular consequence: splice acceptor variant.
Genome position (GRCh38, 1-based): chr18:31,074,908, C>T on the plus strand (G>A on the coding strand, the complement: DSC2 is on the minus strand). VCF-style: chr18-31074908-C-T. GRCh37 (hg19) VCF-style: chr18-28654874-C-T.
Other names: c.1664-1G>A (NM_004949.5); c.1235-1G>A (NM_001406506.1, NM_001406507.1).
Identifiers: ClinVar variation 3637516 (VCV003637516.3).